The following is an entry in ClinVar:

ClinVar aggregate classification (germline): Likely benign. Review status: criteria provided, multiple submitters, no conflicts (2 of 4 stars). 2 submissions from 2 submitters: Likely benign (2). Last evaluated 2026-01-08.

Conditions:
Dilated cardiomyopathy 1G (CMD1G). Identifiers: Orphanet 154, MedGen C1858763, MONDO:0011400, OMIM 604145.
Autosomal recessive limb-girdle muscular dystrophy type 2J (LGMDR10). Also called: Limb-girdle muscular dystrophy, type 2J; MUSCULAR DYSTROPHY, LIMB-GIRDLE, AUTOSOMAL RECESSIVE 10. Identifiers: Orphanet 140922, MedGen C1837342, MONDO:0012127, OMIM 608807.

Allele frequency attached by ClinVar (database versions not stated): gnomAD exomes 0.00001 and 0.00002; ExAC 0.00003; gnomAD 0.00003; TOPMed 0.00006; ESP Exome Variant Server 0.00008.
gnomAD v4.1: 12 of 1,589,822 alleles (0.00075%); highest among the groups gnomAD compares: African/African-American, 0.015%; no homozygotes.

Submissions (2):

Labcorp Genetics (formerly Invitae), Labcorp
Classification: Likely benign for Dilated cardiomyopathy 1G; Autosomal recessive limb-girdle muscular dystrophy type 2J. Last evaluated: 2026-01-08. Review status: criteria provided, single submitter. Criteria: Invitae Variant Classification Sherloc (09022015). Collection method: clinical testing. Allele origin: germline.

GeneDx
Classification: Likely benign. Last evaluated: 2017-09-14. Review status: criteria provided, single submitter. Criteria: GeneDx Variant Classification (06012015). Collection method: clinical testing. Allele origin: germline. Affected: yes.
Comment: This variant is considered likely benign or benign based on one or more of the following criteria: it is a conservative change, it occurs at a poorly conserved position in the protein, it is predicted to be benign by multiple in silico algorithms, and/or has population frequency not consistent with disease.

NM_001267550.2(TTN):c.65864-13C>A

Genes: TTN-AS1 (TTN antisense RNA 1; plus strand), TTN (titin; minus strand). Cytogenetic location: 2q31.2.
Variant type: single nucleotide variant.
Coding change: c.65864-13C>A on transcript NM_001267550.2 (MANE Select); 13 bases into the intron before coding-DNA position 65864, C replaced by A.
Molecular consequence: intron variant. On other transcripts: non-coding transcript variant (1).
Genome position (GRCh38, 1-based): chr2:178,582,605, G>T on the plus strand (C>A on the coding strand, the complement: TTN is on the minus strand). VCF-style: chr2-178582605-G-T. GRCh37 (hg19) VCF-style: chr2-179447332-G-T.
Other names: c.38669-13C>A (NM_003319.4); c.39245-13C>A (NM_133437.4); c.39044-13C>A (NM_133432.3); c.58160-13C>A (NM_133378.4); c.60941-13C>A (NM_001256850.1).
Identifiers: ClinVar variation 516575 (VCV000516575.9), dbSNP rs368507077, ClinGen allele CA1991622.